The following is an entry in ClinVar:

ClinVar aggregate classification (germline): Uncertain significance (1 of 4 stars; one submission).

Conditions:
Beck-Fahrner syndrome (BEFAHRS). Identifiers: Orphanet 684216, MedGen C5394097, MONDO:0032922, OMIM 618798.

gnomAD v4.1: 57 of 1,610,278 alleles (0.0035%); highest among the groups gnomAD compares: South Asian, 0.031%; no homozygotes.

Submission:

Pittsburgh Clinical Genomics Laboratory, University of Pittsburgh Medical Center
Classification: Uncertain significance for Beck-Fahrner syndrome. Last evaluated: 2022-08-02. Review status: criteria provided, single submitter. Criteria: ACMG Guidelines, 2015. Collection method: clinical testing. Allele origin: germline. Inheritance: Autosomal unknown. Affected: yes.
Comment: This sequence variant is a single nucleotide substitution (G>A) at coding position 3740 in the TET3 gene which results in an arginine to glutamine amino acid change at residue 1247 in the TET3 protein. This variant has not been reported in clinical genetics databases or observed in the medical literature in individuals with TET3-related disease, to our knowledge. This variant is present in 9/274044 alleles (0.003%) in the gnomAD control population dataset. Multiple bioinformatic tools predict that this variant is likely to be damaging, and arginine is highly conserved at this protein position in vertebrates. Functiol studies testing the effects of this variant have not been performed, to our knowledge. At this time, there is insufficient evidence to determine if this variant is pathogenic or benign. Therefore, we consider it to be a variant of uncertain significance. ACMG Criteria: PM2, PP3

NM_001287491.2(TET3):c.3740G>A (p.Arg1247Gln)

Gene: TET3 (tet methylcytosine dioxygenase 3; plus strand). Cytogenetic location: 2p13.1.
Variant type: single nucleotide variant.
Coding change: c.3740G>A on transcript NM_001287491.2 (MANE Select); coding-DNA position 3740, G replaced by A.
Protein change: p.Arg1247Gln; replaces arginine 1247 with glutamine.
Molecular consequence: missense variant.
Genome position (GRCh38, 1-based): chr2:74,100,528, G>A. VCF-style: chr2-74100528-G-A. GRCh37 (hg19) VCF-style: chr2-74327655-G-A.
Other names: c.3461G>A, p.Arg1154Gln (NM_001366022.1); short protein forms R1154Q, R1247Q.
Identifiers: ClinVar variation 3376219 (VCV003376219.1).
Genomic context (GRCh38, chr2:74,100,528, plus strand): 5'-GCTCCTTCAAGTACAGCGGCAACGCGGTGGTGGAGAGCTACTCGGTGCTGGGCAACTGCC[G>A]GCCCTCCGACCCTTACAGCATGAACAGCGTGTACTCCTACCACTCCTACTATGCACAGCC-3'
Protein context (NP_001274420.1, residues 1237-1257): VESYSVLGNC[Arg1247Gln]PSDPYSMNSV